The following is an entry in ClinVar:

NM_032040.5(CCDC8):c.582G>C (p.Trp194Cys)

Gene: CCDC8 (coiled-coil domain containing 8 subunit of 3M complex; minus strand). Cytogenetic location: 19q13.32.
Variant type: single nucleotide variant.
Coding change: c.582G>C on transcript NM_032040.5 (MANE Select); coding-DNA position 582, G replaced by C.
Protein change: p.Trp194Cys; replaces tryptophan 194 with cysteine.
Molecular consequence: missense variant.
Genome position (GRCh38, 1-based): chr19:46,412,229, C>G on the plus strand (G>C on the coding strand, the complement: CCDC8 is on the minus strand). VCF-style: chr19-46412229-C-G. GRCh37 (hg19) VCF-style: chr19-46915486-C-G.
Other names: short protein forms W194C.
Identifiers: ClinVar variation 4688685 (VCV004688685.1).
Genomic context (GRCh38, chr19:46,412,229, plus strand): 5'-CGCCCAACCCTTCACCCTCCGCTTCAGCTTCCCCCAGGACACCTGGCTGACATACTCCCG[C>G]CACCTGTCCGCTTTGGACAGCTGAGGCCCCAGGTTGTCCTCAAACATGGGCACTGGCAGG-3'
Protein context (NP_114429.2, residues 184-204): LGPQLSKADR[Trp194Cys]REYVSQVSWG

ClinVar aggregate classification (germline): Uncertain significance (1 of 4 stars; one submission).

gnomAD v4.1: 3 of 1,600,412 alleles (0.00019%); highest among the groups gnomAD compares: South Asian, 0.0022%; no homozygotes.

Submission:

Women's Health and Genetics/Laboratory Corporation of America, LabCorp
Classification: Uncertain significance. Last evaluated: 2025-12-01. Review status: criteria provided, single submitter. Criteria: LabCorp Variant Classification Summary - May 2015. Collection method: clinical testing. Allele origin: germline.
Comment: Variant summary: CCDC8 c.582G>C (p.Trp194Cys) results in a non-conservative amino acid change in the encoded protein sequence. Algorithms developed to predict the effect of missense changes on protein structure and function are either unavailable or do not agree on the potential impact of this missense change. The variant was absent in 235224 control chromosomes. The available data on variant occurrences in the general population are insufficient to allow any conclusion about variant significance. To our knowledge, no occurrence of c.582G>C in individuals affected with CCDC8-related conditions and no experimental evidence demonstrating its impact on protein function have been reported. No submitters have cited clinical-significance assessments for this variant to ClinVar. Based on the evidence outlined above, the variant was classified as uncertain significance.